The following is an entry in ClinVar:

NM_001037333.3(CYFIP2):c.565A>G (p.Lys189Glu)

Gene: CYFIP2 (cytoplasmic FMR1 interacting protein 2; plus strand). Cytogenetic location: 5q33.3.
Variant type: single nucleotide variant.
Coding change: c.565A>G on transcript NM_001037333.3 (MANE Select); coding-DNA position 565, A replaced by G.
Protein change: p.Lys189Glu; replaces lysine 189 with glutamic acid.
Molecular consequence: missense variant.
Genome position (GRCh38, 1-based): chr5:157,300,892, A>G. VCF-style: chr5-157300892-A-G. GRCh37 (hg19) VCF-style: chr5-156727900-A-G.
Other names: c.487A>G, p.Lys163Glu (NM_001291721.2); c.565A>G, p.Lys189Glu (NM_001291722.2, NM_014376.4); short protein forms K189E, K163E.
Identifiers: ClinVar variation 1477231 (VCV001477231.8), dbSNP rs2113888603, ClinGen allele CA361966833.

ClinVar aggregate classification (germline): Uncertain significance (1 of 4 stars; one submission).

Submission:

Labcorp Genetics (formerly Invitae), Labcorp
Classification: Uncertain significance. Last evaluated: 2021-07-01. Review status: criteria provided, single submitter. Criteria: Invitae Variant Classification Sherloc (09022015). Collection method: clinical testing. Allele origin: germline.
Comment: This sequence change replaces lysine with glutamic acid at codon 189 of the CYFIP2 protein (p.Lys189Glu). The lysine residue is moderately conserved and there is a small physicochemical difference between lysine and glutamic acid. This variant is not present in population databases (ExAC no frequency). This variant has not been reported in the literature in individuals affected with CYFIP2-related conditions. Algorithms developed to predict the effect of missense changes on protein structure and function are either unavailable or do not agree on the potential impact of this missense change (SIFT: "Tolerated"; PolyPhen-2: "Not Available"; Align-GVGD: "Class C0"). In summary, the available evidence is currently insufficient to determine the role of this variant in disease. Therefore, it has been classified as a Variant of Uncertain Significance.